The following is an entry in ClinVar:

NM_020975.6(RET):c.1934C>T (p.Ser645Phe)

Gene: RET (ret proto-oncogene; plus strand). Cytogenetic location: 10q11.21.
Variant type: single nucleotide variant.
Coding change: c.1934C>T on transcript NM_020975.6 (MANE Select); coding-DNA position 1934, C replaced by T.
Protein change: p.Ser645Phe; replaces serine 645 with phenylalanine.
Molecular consequence: missense variant. On other transcripts: intron variant (4).
Genome position (GRCh38, 1-based): chr10:43,114,534, C>T. VCF-style: chr10-43114534-C-T. GRCh37 (hg19) VCF-style: chr10-43609982-C-T.
Other names: c.1934C>T, p.Ser645Phe (NM_000323.2, NM_001406743.1, NM_001406744.1 and 4 more transcripts); c.1172C>T, p.Ser391Phe (NM_001355216.2); c.1805C>T, p.Ser602Phe (NM_001406761.1, NM_001406762.1, NM_001406764.1); c.1646C>T, p.Ser549Phe (NM_001406766.1, NM_001406767.1, NM_001406770.1); c.1538C>T, p.Ser513Phe (NM_001406769.1, NM_001406772.1); c.1496C>T, p.Ser499Phe (NM_001406771.1, NM_001406773.1); c.1409C>T, p.Ser470Phe (NM_001406774.1); c.1208C>T, p.Ser403Phe (NM_001406775.1, NM_001406776.1, NM_001406777.1 and 1 more transcripts); and 10 more; short protein forms S210F, S391F, S549F, S162F, S250F, S403F, S602F, S645F.
Identifiers: ClinVar variation 2568377 (VCV002568377.2), dbSNP rs2132846429, ClinGen allele CA376552970.
Genomic context (GRCh38, chr10:43,114,534, plus strand): 5'-CCACAGATCCACTGTGCGACGAGCTGTGCCGCACGGTGATCGCAGCCGCTGTCCTCTTCT[C>T]CTTCATCGTCTCGGTGCTGCTGTCTGCCTTCTGCATCCACTGCTACCACAAGTTTGCCCA-3'
Protein context (NP_066124.1, residues 635-655): RTVIAAAVLF[Ser645Phe]FIVSVLLSAF

ClinVar aggregate classification (germline): Uncertain significance (1 of 4 stars; one submission).

Conditions:
Hereditary cancer-predisposing syndrome. Also called: Hereditary neoplastic syndrome; Hereditary Cancer Syndrome; Neoplastic Syndromes, Hereditary; Tumor predisposition. Identifiers: Orphanet 140162, MedGen C0027672, MeSH D009386, MONDO:0015356.

Submission:

Ambry Genetics
Classification: Uncertain significance for Hereditary cancer-predisposing syndrome. Last evaluated: 2023-06-02. Review status: criteria provided, single submitter. Criteria: Ambry Variant Classification Scheme 2023. Collection method: clinical testing. Allele origin: germline.
Comment: The p.S645F variant (also known as c.1934C>T), located in coding exon 11 of the RET gene, results from a C to T substitution at nucleotide position 1934. The serine at codon 645 is replaced by phenylalanine, an amino acid with highly dissimilar properties. This amino acid position is conserved. In addition, this alteration is predicted to be deleterious by in silico analysis. Since supporting evidence is limited at this time, the clinical significance of this alteration remains unclear.